The following is an entry in ClinVar:

NM_020207.7(ERCC6L2):c.190A>T (p.Ile64Leu)

Gene: ERCC6L2 (ERCC excision repair 6 like 2; plus strand). Cytogenetic location: 9q22.32.
Variant type: single nucleotide variant.
Coding change: c.190A>T on transcript NM_020207.7 (MANE Select); coding-DNA position 190, A replaced by T.
Protein change: p.Ile64Leu; replaces isoleucine 64 with leucine.
Molecular consequence: missense variant. On other transcripts: non-coding transcript variant (1).
Genome position (GRCh38, 1-based): chr9:95,881,012, A>T. VCF-style: chr9-95881012-A-T. GRCh37 (hg19) VCF-style: chr9-98643294-A-T.
Other names: c.190A>T, p.Ile64Leu (NM_001010895.4, NM_001375291.1, NM_001375292.1 and 2 more transcripts); short protein forms I64L.
Identifiers: ClinVar variation 4250549 (VCV004250549.1).

ClinVar aggregate classification (germline): Uncertain significance (1 of 4 stars; one submission).

Conditions:
Inborn genetic diseases. Identifiers: MedGen C0950123, MeSH D030342.

gnomAD v4.1: 4 of 1,614,068 alleles (0.00025%); highest among the groups gnomAD compares: Non-Finnish European, 0.00034%; no homozygotes.

Submission:

Ambry Genetics
Classification: Uncertain significance for Inborn genetic diseases. Last evaluated: 2025-06-21. Review status: criteria provided, single submitter. Criteria: Ambry Variant Classification Scheme 2023. Collection method: clinical testing. Allele origin: germline.
Comment: The p.I64L variant (also known as c.190A>T), located in coding exon 2 of the ERCC6L2 gene, results from an A to T substitution at nucleotide position 190. The isoleucine at codon 64 is replaced by leucine, an amino acid with highly similar properties. This amino acid position is conserved. In addition, this alteration is predicted to be tolerated by in silico analysis. Based on the available evidence, the clinical significance of this variant remains unclear.